The following is an entry in ClinVar:

NM_173543.3(DZIP1L):c.871-2A>G

Gene: DZIP1L (DAZ interacting zinc finger protein 1 like; minus strand). Cytogenetic location: 3q22.3.
Variant type: single nucleotide variant.
Coding change: c.871-2A>G on transcript NM_173543.3 (MANE Select); the canonical splice acceptor site of the intron before coding-DNA position 871, A replaced by G.
Molecular consequence: splice acceptor variant.
Genome position (GRCh38, 1-based): chr3:138,088,509, T>C on the plus strand (A>G on the coding strand, the complement: DZIP1L is on the minus strand). VCF-style: chr3-138088509-T-C. GRCh37 (hg19) VCF-style: chr3-137807351-T-C.
Other names: NC_000003.11:g.137807351T>C; c.871-2A>G (NM_001170538.1, NM_173543.2).
Identifiers: ClinVar variation 3379498 (VCV003379498.3).

ClinVar aggregate classification (germline): Uncertain significance. Review status: criteria provided, multiple submitters, no conflicts (2 of 4 stars). 2 submissions from 2 submitters: Uncertain significance (2). Last evaluated 2026-02-02.

Conditions:
DZIP1L-related disorder. Also called: DZIP1L-related condition.

gnomAD v4.1: 154 of 1,612,908 alleles (0.0095%); highest among the groups gnomAD compares: Non-Finnish European, 0.013%; no homozygotes.

Submissions (3):

PreventionGenetics, part of Exact Sciences
Classification: Uncertain significance for DZIP1L-related condition. Last evaluated: 2026-02-02. Review status: criteria provided, single submitter. Criteria: ACMG Guidelines, 2015. Collection method: clinical testing. Allele origin: germline.
Comment: The DZIP1L c.871-2A>G variant is predicted to disrupt the AG splice acceptor site and interfere with normal splicing. To our knowledge, this variant has not been reported in the literature. This variant is reported in 0.0086% of alleles in individuals of European (Non-Finnish) descent in gnomAD. This canonical splice variant could result in an in-frame deletion of the exon nearby. To our knowledge, no canonical splice variants in this region or other types of variants within the exon nearby have been reported in the literature. Although we suspect that this variant may be pathogenic, at this time, the clinical significance of this variant is uncertain due to the absence of conclusive functional and genetic evidence.

Mayo Clinic Laboratories, Mayo Clinic
Classification: Uncertain significance. Last evaluated: 2024-03-06. Review status: criteria provided, single submitter. Criteria: ACMG Guidelines, 2015. Collection method: clinical testing. Allele origin: germline. Observed: 1 variant allele.
Comment: PM2, PVS1_moderate

Dr. Peter K. Rogan Lab, Western University
No classification provided (evidence only). Condition: Sarcoma. Review status: no classification provided. Collection method: in vitro. Allele origin: not applicable. Functional consequence: retained intron. Not counted in ClinVar's aggregate classification.